The following is an entry in ClinVar:

ClinVar aggregate classification (germline): Uncertain significance (1 of 4 stars; one submission).

Conditions:
Hereditary cancer-predisposing syndrome. Also called: Neoplastic Syndromes, Hereditary; Tumor predisposition; Hereditary neoplastic syndrome; Hereditary Cancer Syndrome. Identifiers: Orphanet 140162, MedGen C0027672, MeSH D009386, MONDO:0015356.

Submission:

Ambry Genetics
Classification: Uncertain significance for Hereditary cancer-predisposing syndrome. Last evaluated: 2026-07-06. Review status: criteria provided, single submitter. Criteria: Ambry Variant Classification Scheme 2023. Collection method: clinical testing. Allele origin: germline.
Comment: The p.P195R variant (also known as c.584C>G), located in coding exon 6 of the PTCH1 gene, results from a C to G substitution at nucleotide position 584. The proline at codon 195 is replaced by arginine, an amino acid with dissimilar properties. This amino acid position is conserved. In addition, this alteration is predicted to be deleterious by in silico analysis. Based on the available evidence, the clinical significance of this variant remains unclear.

NM_000264.5(PTCH1):c.782C>G (p.Pro261Arg)

Gene: PTCH1 (patched 1; minus strand). Cytogenetic location: 9q22.32.
Variant type: single nucleotide variant.
Coding change: c.782C>G on transcript NM_000264.5 (MANE Select); coding-DNA position 782, C replaced by G.
Protein change: p.Pro261Arg; replaces proline 261 with arginine.
Molecular consequence: missense variant. On other transcripts: non-coding transcript variant (1).
Genome position (GRCh38, 1-based): chr9:95,480,553, G>C on the plus strand (C>G on the coding strand, the complement: PTCH1 is on the minus strand). VCF-style: chr9-95480553-G-C. GRCh37 (hg19) VCF-style: chr9-98242835-G-C.
Other names: c.584C>G, p.Pro195Arg (NM_001083602.3); c.779C>G, p.Pro260Arg (NM_001083603.3); c.329C>G, p.Pro110Arg (NM_001083604.3, NM_001083605.3, NM_001083606.3 and 1 more transcripts); c.782C>G, p.Pro261Arg (NM_001354918.2); short protein forms P110R, P261R, P195R, P260R.
Identifiers: ClinVar variation 5027467 (VCV005027467.1).
Genomic context (GRCh38, chr9:95,480,553, plus strand): 5'-ATTTCCTCCCAGCTGTCCACTTGATAGTTTATTTTCTTTAACTCTTCCAGGAATTCCAAA[G>C]GGTCGAAGTTTGTCCACCGCAAAGGAGGTTTACCTCTGCAAAAGAAATTAGGAGACGAGA-3'
Protein context (NP_000255.2, residues 251-271): KPPLRWTNFD[Pro261Arg]LEFLEELKKI